The following is an entry in ClinVar:

NM_178844.4(NLRC3):c.1928+163T>C

Gene: NLRC3 (NLR family CARD domain containing 3; minus strand). Cytogenetic location: 16p13.3.
Variant type: single nucleotide variant.
Coding change: c.1928+163T>C on transcript NM_178844.4 (MANE Select); 163 bases into the intron after coding-DNA position 1928, T replaced by C.
Molecular consequence: intron variant.
Genome position (GRCh38, 1-based): chr16:3,562,846, A>G on the plus strand (T>C on the coding strand, the complement: NLRC3 is on the minus strand). VCF-style: chr16-3562846-A-G. GRCh37 (hg19) VCF-style: chr16-3612847-A-G.
Identifiers: ClinVar variation 103361 (VCV000103361.2), dbSNP rs199476277, ClinGen allele CA230474.

ClinVar aggregate classification (germline): not provided (0 of 4 stars; one submission).

Allele frequency attached by ClinVar (database versions not stated): gnomAD 0.00001.
gnomAD v4.1: 1 of 737,772 alleles (0.00014%); highest among the groups gnomAD compares: East Asian, 0.0027%; no homozygotes.

Submission:

Human Evolutionary Genetics, Institut Pasteur
No classification provided. Review status: no classification provided. Collection method: not provided. Allele origin: germline.
ClinVar note: Converted during submission from untested to not provided.